The following is an entry in ClinVar:

ClinVar aggregate classification (germline): Uncertain significance (1 of 4 stars; one submission).

Allele frequency attached by ClinVar (database versions not stated): gnomAD exomes below 0.00001; TOPMed below 0.00001; ExAC 0.00001; gnomAD 0.00001.
gnomAD v4.1: 7 of 1,613,988 alleles (0.00043%); highest among the groups gnomAD compares: Non-Finnish European, 0.00051%; no homozygotes.

Submission:

Labcorp Genetics (formerly Invitae), Labcorp
Classification: Uncertain significance. Last evaluated: 2022-09-13. Review status: criteria provided, single submitter. Criteria: Invitae Variant Classification Sherloc (09022015). Collection method: clinical testing. Allele origin: germline.
Comment: This sequence change replaces glutamine, which is neutral and polar, with arginine, which is basic and polar, at codon 92 of the UPB1 protein (p.Gln92Arg). This variant is present in population databases (rs758904899, gnomAD 0.0009%). In summary, the available evidence is currently insufficient to determine the role of this variant in disease. Therefore, it has been classified as a Variant of Uncertain Significance. Algorithms developed to predict the effect of sequence changes on RNA splicing suggest that this variant may disrupt the consensus splice site. Algorithms developed to predict the effect of missense changes on protein structure and function are either unavailable or do not agree on the potential impact of this missense change (SIFT: "Deleterious"; PolyPhen-2: "Probably Damaging"; Align-GVGD: "Class C0"). This variant has not been reported in the literature in individuals affected with UPB1-related conditions.

NM_016327.3(UPB1):c.275A>G (p.Gln92Arg)

Gene: UPB1 (beta-ureidopropionase 1; plus strand). Cytogenetic location: 22q11.23.
Variant type: single nucleotide variant.
Coding change: c.275A>G on transcript NM_016327.3 (MANE Select); coding-DNA position 275, A replaced by G.
Protein change: p.Gln92Arg; replaces glutamine 92 with arginine.
Molecular consequence: missense variant.
Genome position (GRCh38, 1-based): chr22:24,500,277, A>G. VCF-style: chr22-24500277-A-G. GRCh37 (hg19) VCF-style: chr22-24896245-A-G.
Other names: short protein forms Q92R.
Identifiers: ClinVar variation 1958167 (VCV001958167.5), dbSNP rs758904899, ClinGen allele CA10153060.